The following is an entry in ClinVar:

NM_001457.4(FLNB):c.1808C>T (p.Ser603Leu)

Gene: FLNB (filamin B; plus strand). Cytogenetic location: 3p14.3.
Variant type: single nucleotide variant.
Coding change: c.1808C>T on transcript NM_001457.4 (MANE Select); coding-DNA position 1808, C replaced by T.
Protein change: p.Ser603Leu; replaces serine 603 with leucine.
Molecular consequence: missense variant.
Genome position (GRCh38, 1-based): chr3:58,106,740, C>T. VCF-style: chr3-58106740-C-T. GRCh37 (hg19) VCF-style: chr3-58092467-C-T.
Other names: c.1808C>T, p.Ser603Leu (NM_001164317.2, NM_001164318.2, NM_001164319.2); short protein forms S603L.
Identifiers: ClinVar variation 618135 (VCV000618135.13), dbSNP rs764538938, ClinGen allele CA2467930.

ClinVar aggregate classification (germline): Conflicting classifications of pathogenicity. Review status: criteria provided, conflicting classifications (1 of 4 stars). 2 submissions from 2 submitters: Uncertain significance (1); Likely benign (1). Last evaluated 2025-12-24.

Allele frequency attached by ClinVar (database versions not stated): ExAC 0.00001; gnomAD 0.00001; gnomAD exomes 0.00001; TOPMed 0.00002.
gnomAD v4.1: 14 of 1,614,054 alleles (0.00087%); highest among the groups gnomAD compares: East Asian, 0.0067%; no homozygotes.

Submissions (2):

Labcorp Genetics (formerly Invitae), Labcorp
Classification: Likely benign. Last evaluated: 2025-12-24. Review status: criteria provided, single submitter. Criteria: Invitae Variant Classification Sherloc (09022015). Collection method: clinical testing. Allele origin: germline.

ARUP Laboratories, Molecular Genetics and Genomics, ARUP Laboratories
Classification: Uncertain significance. Last evaluated: 2017-05-21. Review status: criteria provided, single submitter. Criteria: ARUP Molecular Germline Variant Investigation Process. Collection method: clinical testing. Allele origin: germline.
Comment: The p.Ser603Leu variant (rs764538938) has not been reported in the medical literature, gene specific variation databases, including ClinVar, nor has it been previously identified by our laboratory. The p.Ser603Leu variant is listed in the Genome Aggregation Consortium browser with an overall population frequency of 0.001 percent (identified on 3 out of 277,150 chromosomes). The serine at position 603 is highly conserved, up to Tetraodon (considering 11 species) (Alamut version 2.9.0) and computational analyses of the effects of the p.Ser603Leu variant on protein structure and function predict a deleterious effect (SIFT: damaging, PolyPhen-2: probably damaging, MutationTaster: disease causing). Altogether, there is not enough evidence to classify the p.Ser603Leu variant with certainty.